The following is an entry in ClinVar:

ClinVar aggregate classification (germline): Uncertain significance. Review status: criteria provided, multiple submitters, no conflicts (2 of 4 stars). 2 submissions from 2 submitters: Uncertain significance (2). Last evaluated 2023-12-27.

Conditions:
Breast-ovarian cancer, familial, susceptibility to, 4. Identifiers: Orphanet 145, MedGen C3280345, MONDO:0013669, OMIM 614291.
Hereditary cancer-predisposing syndrome. Also called: Hereditary neoplastic syndrome; Tumor predisposition; Hereditary Cancer Syndrome; Neoplastic Syndromes, Hereditary. Identifiers: Orphanet 140162, MedGen C0027672, MeSH D009386, MONDO:0015356.

Allele frequency attached by ClinVar (database versions not stated): gnomAD exomes below 0.00001.
gnomAD v4.1: 1 of 1,613,784 alleles (0.000062%); highest among the groups gnomAD compares: Non-Finnish European, 0.000085%; no homozygotes.

Submissions (2):

Labcorp Genetics (formerly Invitae), Labcorp
Classification: Uncertain significance for Breast-ovarian cancer, familial, susceptibility to, 4. Last evaluated: 2023-12-27. Review status: criteria provided, single submitter. Criteria: Invitae Variant Classification Sherloc (09022015). Collection method: clinical testing. Allele origin: germline.
Comment: This sequence change replaces glycine, which is neutral and non-polar, with cysteine, which is neutral and slightly polar, at codon 44 of the RAD51D protein (p.Gly44Cys). This variant is not present in population databases (gnomAD no frequency). This variant has not been reported in the literature in individuals affected with RAD51D-related conditions. ClinVar contains an entry for this variant (Variation ID: 492407). An algorithm developed to predict the effect of missense changes on protein structure and function (PolyPhen-2) suggests that this variant is likely to be tolerated. In summary, the available evidence is currently insufficient to determine the role of this variant in disease. Therefore, it has been classified as a Variant of Uncertain Significance.

Color Diagnostics, LLC DBA Color Health
Classification: Uncertain significance for Hereditary cancer-predisposing syndrome. Last evaluated: 2023-12-05. Review status: criteria provided, single submitter. Criteria: ACMG Guidelines, 2015. Collection method: clinical testing. Allele origin: germline.
Comment: This missense variant replaces glycine with cysteine at codon 44 of the RAD51D protein. Computational prediction suggests that this variant may not impact protein structure and function (internally defined REVEL score threshold <= 0.5, PMID: 27666373). To our knowledge, functional studies have not been reported for this variant. This variant has not been reported in individuals affected with RAD51D-related disorders in the literature. This variant has not been identified in the general population by the Genome Aggregation Database (gnomAD). The available evidence is insufficient to determine the role of this variant in disease conclusively. Therefore, this variant is classified as a Variant of Uncertain Significance.

NM_002878.4(RAD51D):c.130G>T (p.Gly44Cys)

Genes: RAD51D (RAD51 paralog D; minus strand), RAD51L3-RFFL (RAD51L3-RFFL readthrough; minus strand). Cytogenetic location: 17q12.
Variant type: single nucleotide variant.
Coding change: c.130G>T on transcript NM_002878.4 (MANE Select); coding-DNA position 130, G replaced by T.
Protein change: p.Gly44Cys; replaces glycine 44 with cysteine.
Molecular consequence: missense variant. On other transcripts: non-coding transcript variant (2).
Genome position (GRCh38, 1-based): chr17:35,119,125, C>A on the plus strand (G>T on the coding strand, the complement: RAD51D is on the minus strand). VCF-style: chr17-35119125-C-A. GRCh37 (hg19) VCF-style: chr17-33446144-C-A.
Other names: c.130G>T, p.Gly44Cys (NM_001142571.2, NM_133629.3); short protein forms G44C.
Identifiers: ClinVar variation 492407 (VCV000492407.11), dbSNP rs1555570408, ClinGen allele CA399091803.
Genomic context (GRCh38, chr17:35,119,125, plus strand): 5'-TTTTAAAAAGACACTCAGGTTTGGAATGTGGAGATCAGGAGCTCACCTTGTAAGACAAGC[C>A]ACATTTCTGAGCTACCTCTTCCAGGTCTGCAGAAACCAGGTCCACCACTGAAAACAAAAC-3'
Protein context (NP_002869.3, residues 34-54): ADLEEVAQKC[Gly44Cys]LSYKALVALR